The following is an entry in ClinVar:

ClinVar aggregate classification (germline): Likely benign (1 of 4 stars; one submission).

Allele frequency attached by ClinVar (database versions not stated): TOPMed below 0.00001; ExAC 0.00001; gnomAD exomes 0.00001.

Submission:

CeGaT Center for Human Genetics Tuebingen
Classification: Likely benign. Last evaluated: 2022-09-01. Review status: criteria provided, single submitter. Criteria: CeGaT Center For Human Genetics Tuebingen Variant Classification Criteria Version 2. Collection method: clinical testing. Allele origin: germline. Affected: yes. Observed: 1 variant allele.
Comment: RNF151: BP4, BP7

NM_174903.6(RNF151):c.201C>A (p.Val67=)

Gene: RNF151 (ring finger protein 151; plus strand). Cytogenetic location: 16p13.3.
Variant type: single nucleotide variant.
Coding change: c.201C>A on transcript NM_174903.6 (MANE Select); coding-DNA position 201, C replaced by A.
Protein change: p.Val67=; no amino-acid change (valine 67 retained).
Molecular consequence: synonymous variant. On other transcripts: intron variant (1).
Genome position (GRCh38, 1-based): chr16:1,967,776, C>A. VCF-style: chr16-1967776-C-A. GRCh37 (hg19) VCF-style: chr16-2017777-C-A.
Other names: c.150-97C>A (NM_001348711.2).
Identifiers: ClinVar variation 2645956 (VCV002645956.24), dbSNP rs750927878, ClinGen allele CA7824076.
Genomic context (GRCh38, chr16:1,967,776, plus strand): 5'-TCCTTCCAGACAAAAGACCTGTCCGTGCTGTAGGAAAGAGGTGAAAAGGAAAAAGGTTGT[C>A]CACATGAATAAACTCCGGAAAACCATTGGCCGCCTGGAAGTCAAGGTAGCTCAAAGTACC-3'
Protein context (NP_777563.2, residues 57-77): CRKEVKRKKV[Val67=]HMNKLRKTIG